The following is an entry in ClinVar:

ClinVar aggregate classification (germline): Uncertain significance (1 of 4 stars; one submission).

Submission:

Labcorp Genetics (formerly Invitae), Labcorp
Classification: Uncertain significance. Last evaluated: 2024-11-06. Review status: criteria provided, single submitter. Criteria: Invitae Variant Classification Sherloc (09022015). Collection method: clinical testing. Allele origin: germline.
Comment: This sequence change replaces glycine, which is neutral and non-polar, with valine, which is neutral and non-polar, at codon 153 of the OBSL1 protein (p.Gly153Val). This variant is not present in population databases (gnomAD no frequency). This variant has not been reported in the literature in individuals affected with OBSL1-related conditions. An algorithm developed to predict the effect of missense changes on protein structure and function (PolyPhen-2) suggests that this variant is likely to be disruptive. In summary, the available evidence is currently insufficient to determine the role of this variant in disease. Therefore, it has been classified as a Variant of Uncertain Significance.

NM_015311.3(OBSL1):c.458G>T (p.Gly153Val)

Gene: OBSL1 (obscurin like cytoskeletal adaptor 1; minus strand). Cytogenetic location: 2q35.
Variant type: single nucleotide variant.
Coding change: c.458G>T on transcript NM_015311.3 (MANE Select); coding-DNA position 458, G replaced by T.
Protein change: p.Gly153Val; replaces glycine 153 with valine.
Molecular consequence: missense variant.
Genome position (GRCh38, 1-based): chr2:219,570,775, C>A on the plus strand (G>T on the coding strand, the complement: OBSL1 is on the minus strand). VCF-style: chr2-219570775-C-A. GRCh37 (hg19) VCF-style: chr2-220435497-C-A.
Other names: c.458G>T, p.Gly153Val (NM_001173408.2, NM_001173431.2); short protein forms G153V.
Identifiers: ClinVar variation 3688227 (VCV003688227.2).
Genomic context (GRCh38, chr2:219,570,775, plus strand): 5'-TCCCACACTTCGTCCAGGGCCATCCCGTCCTTCTCCCAGTACAGTGTGGGCTCGGGGAGG[C>A]CCCCCGCCCGGCACGTCAGCACCACCTCCGCCCCCCGCAGCACCCACTGGGATCGAGGCC-3'
Protein context (NP_056126.1, residues 143-163): AEVVLTCRAG[Gly153Val]LPEPTLYWEK